The following is an entry in ClinVar:

ClinVar aggregate classification (germline): Uncertain significance. Review status: criteria provided, multiple submitters, no conflicts (2 of 4 stars). 2 submissions from 2 submitters: Uncertain significance (2). Last evaluated 2022-11-14.

Conditions:
Inborn genetic diseases. Identifiers: MedGen C0950123, MeSH D030342.

Allele frequency attached by ClinVar (database versions not stated): TOPMed below 0.00001.

Submissions (2):

GeneDx
Classification: Uncertain significance. Last evaluated: 2022-11-14. Review status: criteria provided, single submitter. Criteria: GeneDx Variant Classification Process June 2021. Collection method: clinical testing. Allele origin: germline. Affected: yes.
Comment: Not observed in large population cohorts (gnomAD); In silico analysis supports that this missense variant has a deleterious effect on protein structure/function; Has not been previously published as pathogenic or benign to our knowledge

Ambry Genetics
Classification: Uncertain significance for Inborn genetic diseases. Last evaluated: 2021-02-24. Review status: criteria provided, single submitter. Criteria: Ambry Variant Classification Scheme 2023. Collection method: clinical testing. Allele origin: germline.
Comment: The c.1276G>A (p.E426K) alteration is located in exon 10 (coding exon 9) of the FGFR3 gene. This alteration results from a G to A substitution at nucleotide position 1276, causing the glutamic acid (E) at amino acid position 426 to be replaced by a lysine (K). The in silico prediction for the p.E426K alteration is inconclusive. Based on insufficient or conflicting evidence, the clinical significance of this alteration remains unclear.

NM_000142.5(FGFR3):c.1276G>A (p.Glu426Lys)

Gene: FGFR3 (fibroblast growth factor receptor 3; plus strand). Cytogenetic location: 4p16.3.
Variant type: single nucleotide variant.
Coding change: c.1276G>A on transcript NM_000142.5 (MANE Select); coding-DNA position 1276, G replaced by A.
Protein change: p.Glu426Lys; replaces glutamic acid 426 with lysine.
Molecular consequence: missense variant. On other transcripts: non-coding transcript variant (1).
Genome position (GRCh38, 1-based): chr4:1,804,833, G>A. VCF-style: chr4-1804833-G-A. GRCh37 (hg19) VCF-style: chr4-1806560-G-A.
Other names: c.1282G>A, p.Glu428Lys (NM_001163213.2); c.1279G>A, p.Glu427Lys (NM_001354809.2, NM_001354810.2); c.940G>A, p.Glu314Lys (NM_022965.4); short protein forms E314K, E426K, E427K, E428K.
Identifiers: ClinVar variation 1310286 (VCV001310286.5), dbSNP rs1721673899, ClinGen allele CA355980027.